The following is an entry in ClinVar:

ClinVar aggregate classification (germline): Benign (1 of 4 stars; one submission).

Allele frequency attached by ClinVar (database versions not stated): TOPMed 0.53452; 1000 Genomes Project 30x 0.56027; 1000 Genomes Project 0.56749.
gnomAD v4.1: 81,899 of 151,882 alleles (54%); highest among the groups gnomAD compares: East Asian, 73%; 23,045 homozygotes.

Submission:

GeneDx
Classification: Benign. Last evaluated: 2018-06-14. Review status: criteria provided, single submitter. Criteria: GeneDx Variant Classification (06012015). Collection method: clinical testing. Allele origin: germline. Affected: yes.
Comment: This variant is considered likely benign or benign based on one or more of the following criteria: it is a conservative change, it occurs at a poorly conserved position in the protein, it is predicted to be benign by multiple in silico algorithms, and/or has population frequency not consistent with disease.

NM_001753.5(CAV1):c.196-172A>G

Gene: CAV1 (caveolin 1; plus strand). Cytogenetic location: 7q31.2.
Variant type: single nucleotide variant.
Coding change: c.196-172A>G on transcript NM_001753.5 (MANE Select); 172 bases into the intron before coding-DNA position 196, A replaced by G.
Molecular consequence: intron variant.
Genome position (GRCh38, 1-based): chr7:116,558,774, A>G. VCF-style: chr7-116558774-A-G. GRCh37 (hg19) VCF-style: chr7-116198828-A-G.
Other names: c.103-172A>G (NM_001172895.1, NM_001172896.2, NM_001172897.2).
Identifiers: ClinVar variation 675285 (VCV000675285.1), dbSNP rs1997572, ClinGen allele CA12519318.